The following is an entry in ClinVar:

ClinVar aggregate classification (germline): Pathogenic. Review status: criteria provided, multiple submitters, no conflicts (2 of 4 stars). 3 submissions from 3 submitters: Pathogenic (2). 1 of the submissions does not count toward it. Last evaluated 2023-03-14.

Conditions:
PHOX2B-related disorder. Also called: PHOX2B-related condition.
Congenital central hypoventilation. Also called: Congenital Central Hypoventilation Syndrome. Identifiers: Orphanet 661, Orphanet 99803, MedGen C1275808, MONDO:0800031. Disease mechanism: gain of function.

Submissions (3):

PreventionGenetics, part of Exact Sciences
Classification: Pathogenic for PHOX2B-related condition. Last evaluated: 2023-03-14. Review status: criteria provided, single submitter. Criteria: ACMG Guidelines, 2015. Collection method: clinical testing. Allele origin: germline.
Comment: The PHOX2B c.722_759del38 variant is predicted to result in a frameshift and premature protein termination (p.Ala241Glyfs*106). This variant has previously been reported to be causative for congenital central hypoventilation syndrome (CCHS) and tumors of the sympathetic nervous system (Amiel et al. 2003. PubMed ID: 12640453; Trochet et al. 2005. PubMed ID: 16249188; Trochet et al. 2009. PubMed ID: 19058226; Di Lascio et al. 2018. PubMed ID: 29098737). This variant has not been reported in a large population database, and is interpreted as Pathogenic in ClinVar. Frameshift variants in PHOX2B are expected to be pathogenic. This variant is interpreted as pathogenic.

GeneDx
Classification: Pathogenic. Last evaluated: 2023-03-10. Review status: criteria provided, single submitter. Criteria: GeneDx Variant Classification Process June 2021. Collection method: clinical testing. Allele origin: germline. Affected: yes.
Comment: Frameshift variant in the C-terminus predicted to cause a protein extension as the last 74 amino acids are replaced with 105 incorrect amino acids; Not observed in large population cohorts (gnomAD); This variant is associated with the following publications: (PMID: 15888479, 19191321, 15121777, 18157832, 12640453)

OMIM
Classification: Pathogenic for CENTRAL HYPOVENTILATION SYNDROME, CONGENITAL, 1. Last evaluated: 2003-04-01. Review status: no assertion criteria provided. Collection method: literature only. Allele origin: germline. Not counted in ClinVar's aggregate classification.

Literature cited by the submitters: PubMed 12640453 (cited by OMIM).

NM_003924.4(PHOX2B):c.722_759del (p.Ala241fs)

Genes: PHOX2B (paired like homeobox 2B; minus strand), LOC110011216 (paired like homeobox 2b polyalanine repeat instability region; plus strand). Cytogenetic location: 4p13.
Variant type: Deletion.
Coding change: c.722_759del on transcript NM_003924.4 (MANE Select); coding-DNA positions 722 to 759, 38 bases deleted.
Protein change: p.Ala241fs; shifts the reading frame from alanine 241.
Molecular consequence: frameshift variant.
Genome position (GRCh38, 1-based): chr4:41,745,993-41,746,030, 38 bases deleted; deleting any 38 consecutive bases within chr4:41,745,993-41,746,037 gives the same sequence; the c. name uses the placement nearest the transcript's 3' end. GRCh37 (hg19): chr4:41,748,017-41,748,054.
Other names: c.722_759del38 (NM_003924.3); c.722_759del (NM_003924.3); short protein forms A241fs.
Identifiers: ClinVar variation 6010 (VCV000006010.5), dbSNP rs1733878065, ClinGen allele CA1139658465.